The following is an entry in ClinVar:

NM_014484.5(MOCS3):c.276del (p.Leu93fs)

Gene: MOCS3 (molybdenum cofactor synthesis 3; plus strand). Cytogenetic location: 20q13.13.
Variant type: Deletion.
Coding change: c.276del on transcript NM_014484.5 (MANE Select); coding-DNA position 276, one base deleted (G; older notation c.276delG).
Protein change: p.Leu93fs; shifts the reading frame from leucine 93.
Molecular consequence: frameshift variant.
Genome position (GRCh38, 1-based): chr20:50,959,118, G deleted; the last of 3 consecutive G bases (chr20:50,959,116-50,959,118); deleting any one gives the same sequence. VCF-style (leftmost placement, unchanged base first): chr20-50959115-TG-T. GRCh37 (hg19) VCF-style: chr20-49575652-TG-T.
Other names: short protein forms L93fs.
Identifiers: ClinVar variation 2824126 (VCV002824126.3), dbSNP rs1223358645, ClinGen allele CA745297746.

ClinVar aggregate classification (germline): Uncertain significance (1 of 4 stars; one submission).

Submission:

Labcorp Genetics (formerly Invitae), Labcorp
Classification: Uncertain significance. Last evaluated: 2023-01-01. Review status: criteria provided, single submitter. Criteria: Invitae Variant Classification Sherloc (09022015). Collection method: clinical testing. Allele origin: germline.
Comment: This sequence change creates a premature translational stop signal (p.Leu93Serfs*5) in the MOCS3 gene. While this is not anticipated to result in nonsense mediated decay, it is expected to disrupt the last 368 amino acid(s) of the MOCS3 protein. This variant is not present in population databases (gnomAD no frequency). This variant has not been reported in the literature in individuals affected with MOCS3-related conditions. Experimental studies and prediction algorithms are not available or were not evaluated, and the functional significance of this variant is currently unknown. In summary, the available evidence is currently insufficient to determine the role of this variant in disease. Therefore, it has been classified as a Variant of Uncertain Significance.